The following is an entry in ClinVar:

NM_018706.7(DHTKD1):c.1419G>A (p.Thr473=)

Gene: DHTKD1 (dehydrogenase E1 and transketolase domain containing 1; plus strand). Cytogenetic location: 10p14.
Variant type: single nucleotide variant.
Coding change: c.1419G>A on transcript NM_018706.7 (MANE Select); coding-DNA position 1419, G replaced by A.
Protein change: p.Thr473=; no amino-acid change (threonine 473 retained).
Molecular consequence: synonymous variant.
Genome position (GRCh38, 1-based): chr10:12,097,744, G>A. VCF-style: chr10-12097744-G-A. GRCh37 (hg19) VCF-style: chr10-12139743-G-A.
Identifiers: ClinVar variation 716207 (VCV000716207.10), dbSNP rs370218003, ClinGen allele CA5407855.
Genomic context (GRCh38, chr10:12,097,744, plus strand): 5'-AGCTCGAAAGAGCATTCCAGACACATATGCAGAGCACCTCATTGCTGGCGGACTCATGAC[G>A]CAGGAGGAGGTGTCTGAAATAAAATCCTCCTACTATGCCAAGTTGAATGATCACTTAAAT-3'
Protein context (NP_061176.4, residues 463-483): AEHLIAGGLM[Thr473=]QEEVSEIKSS

ClinVar aggregate classification (germline): Likely benign. Review status: criteria provided, multiple submitters, no conflicts (2 of 4 stars). 2 submissions from 2 submitters: Likely benign (2). Last evaluated 2026-03-26.

Conditions:
DHTKD1-related disorder. Also called: DHTKD1-related condition.
2-aminoadipic 2-oxoadipic aciduria (AAKAD). Also called: ALPHA-AMINOADIPIC AND ALPHA-KETOADIPIC ACIDURIA; Aminoadipic aciduria. Identifiers: Orphanet 79154, MedGen C1859817, MONDO:0008774, OMIM 204750.

Allele frequency attached by ClinVar (database versions not stated): gnomAD 0.00007; ESP Exome Variant Server 0.00008; TOPMed 0.00010; ExAC 0.00011.
gnomAD v4.1: 119 of 1,614,004 alleles (0.0074%); highest among the groups gnomAD compares: Middle Eastern, 0.049%; no homozygotes.

Submissions (2):

PreventionGenetics, part of Exact Sciences
Classification: Likely benign for DHTKD1-related condition. Last evaluated: 2026-03-26. Review status: criteria provided, single submitter. Criteria: ACMG Guidelines, 2015. Collection method: clinical testing. Allele origin: germline.
Comment: This variant is classified as likely benign based on ACMG/AMP sequence variant interpretation guidelines (Richards et al. 2015 PMID: 25741868, with internal and published modifications).

Labcorp Genetics (formerly Invitae), Labcorp
Classification: Likely benign for 2-aminoadipic 2-oxoadipic aciduria. Last evaluated: 2025-12-29. Review status: criteria provided, single submitter. Criteria: Invitae Variant Classification Sherloc (09022015). Collection method: clinical testing. Allele origin: germline.